The following is an entry in ClinVar:

NM_001134707.2(SARDH):c.463A>G (p.Ile155Val)

Gene: SARDH (sarcosine dehydrogenase; minus strand). Cytogenetic location: 9q34.2.
Variant type: single nucleotide variant.
Coding change: c.463A>G on transcript NM_001134707.2 (MANE Select); coding-DNA position 463, A replaced by G.
Protein change: p.Ile155Val; replaces isoleucine 155 with valine.
Molecular consequence: missense variant.
Genome position (GRCh38, 1-based): chr9:133,732,470, T>C on the plus strand (A>G on the coding strand, the complement: SARDH is on the minus strand). VCF-style: chr9-133732470-T-C. GRCh37 (hg19) VCF-style: chr9-136597592-T-C.
Other names: c.463A>G, p.Ile155Val (NM_007101.4); c.463A>G (NM_007101.3); short protein forms I155V.
Identifiers: ClinVar variation 3024877 (VCV003024877.23), dbSNP rs149002589, ClinGen allele CA5314802.
Genomic context (GRCh38, chr9:133,732,470, plus strand): 5'-GGGGAGCACACACCGACATGAGCCTCTTGTACTCGTCCAGGCGCTGCCGGTTGGACGCGA[T>C]GAAGAGGCCCCCATTCTGGATCCAGCCCGTGTGTAGTCCCGTCTCCTCCTCCAGCTCCCG-3'
Protein context (NP_001128179.1, residues 145-165): TGWIQNGGLF[Ile155Val]ASNRQRLDEY

ClinVar aggregate classification (germline): Likely benign. Review status: criteria provided, single submitter (1 of 4 stars). 2 submissions from 2 submitters: Likely benign (1). 1 of the submissions does not count toward it. Last evaluated 2024-03-01.

Conditions:
SARDH-related disorder. Also called: SARDH-related condition.

Allele frequency attached by ClinVar (database versions not stated): 1000 Genomes Project 30x 0.00094; 1000 Genomes Project 0.00100; TOPMed 0.00235; ESP Exome Variant Server 0.00238; gnomAD exomes 0.00314; ExAC 0.00316; gnomAD 0.00337.
gnomAD v4.1: 4,945 of 1,585,354 alleles (0.31%); highest among the groups gnomAD compares: Non-Finnish European, 0.37%; 21 homozygotes.

Submissions (2):

CeGaT Center for Human Genetics Tuebingen
Classification: Likely benign. Last evaluated: 2024-03-01. Review status: criteria provided, single submitter. Criteria: CeGaT Center For Human Genetics Tuebingen Variant Classification Criteria Version 2. Collection method: clinical testing. Allele origin: germline. Affected: yes. Observed: 2 variant alleles.
Comment: SARDH: BS2

PreventionGenetics, part of Exact Sciences
Classification: Likely benign for SARDH-related condition. Last evaluated: 2019-06-25. Review status: no assertion criteria provided. Collection method: clinical testing. Allele origin: germline. Not counted in ClinVar's aggregate classification.
Comment: This variant is classified as likely benign based on ACMG/AMP sequence variant interpretation guidelines (Richards et al. 2015 PMID: 25741868, with internal and published modifications).